The following is an entry in ClinVar:

ClinVar aggregate classification (germline): Pathogenic (1 of 4 stars; one submission).

Conditions:
Hereditary breast ovarian cancer syndrome. Also called: Hereditary breast and ovarian cancer syndrome; Hereditary breast and ovarian cancer; Hereditary breast and ovarian cancer syndrome (HBOC); Breast and ovarian cancer; Hereditary breast and/or ovarian cancer syndrome; BRCA1- and BRCA2-Associated Hereditary Breast and Ovarian Cancer. Identifiers: Orphanet 145, MedGen C0677776, MeSH D061325, MONDO:0003582. Disease mechanism: loss of function.

Submission:

Labcorp Genetics (formerly Invitae), Labcorp
Classification: Pathogenic for Hereditary breast ovarian cancer syndrome. Last evaluated: 2018-08-21. Review status: criteria provided, single submitter. Criteria: Invitae Variant Classification Sherloc (09022015). Collection method: clinical testing. Allele origin: unknown.
Comment: This variant is a deletion of the genomic region encompassing exons 8-10 and part of exon 11 (c.631+194_4985del) of the BRCA2 gene. It is expected to disrupt RNA splicing and likely results in an absent or disrupted protein product. This variant has not been reported in the literature in individuals with BRCA2-related disease. Loss-of-function variants in BRCA2 are known to be pathogenic (PMID: 20104584). For these reasons, this variant has been classified as Pathogenic.

Literature cited by the submitters: PubMed 20104584.

NC_000013.10:g.(?_32900944)_(32913477_?)del

Gene: BRCA2 (BRCA2 DNA repair associated; plus strand). Cytogenetic location: 13q13.1.
Variant type: Deletion.
Identifiers: ClinVar variation 3244191 (VCV003244191.1).